The following is an entry in ClinVar:

NM_001330288.2(SMARCC2):c.2186-3C>G

Gene: SMARCC2 (SWI/SNF related BAF chromatin remodeling complex subunit C2; minus strand). Cytogenetic location: 12q13.2.
Variant type: single nucleotide variant.
Coding change: c.2186-3C>G on transcript NM_001330288.2 (MANE Select); 3 bases into the intron before coding-DNA position 2186, C replaced by G.
Molecular consequence: intron variant.
Genome position (GRCh38, 1-based): chr12:56,171,435, G>C on the plus strand (C>G on the coding strand, the complement: SMARCC2 is on the minus strand). VCF-style: chr12-56171435-G-C. GRCh37 (hg19) VCF-style: chr12-56565219-G-C.
Other names: c.2093-3C>G (NM_003075.5); c.2186-3C>G (NM_139067.4, NM_001130420.3).
Identifiers: ClinVar variation 3772690 (VCV003772690.1).

ClinVar aggregate classification (germline): Likely pathogenic (1 of 4 stars; one submission).

Conditions:
Coffin-Siris syndrome 8. Identifiers: MedGen C5193054, MONDO:0032702, OMIM 618362.

Submission:

Center for Medical Genetics Ghent, University of Ghent
Classification: Likely pathogenic for Coffin-Siris syndrome 8. Last evaluated: 2025-03-13. Review status: criteria provided, single submitter. Criteria: ACMG Guidelines, 2015. Collection method: clinical testing. Allele origin: de novo. Affected: yes.
Comment: PM2, PM4_PM, PS2_PM RNA-sequencing was performed on PBMCs and showed exon 22 skip en intron retention (in-frame effect).